The following is an entry in ClinVar:

ClinVar aggregate classification (germline): Likely pathogenic. Review status: criteria provided, multiple submitters, no conflicts (2 of 4 stars). 2 submissions from 2 submitters: Likely pathogenic (2). Last evaluated 2025-12-10.

Conditions:
Retinitis pigmentosa 45 (RP45). Identifiers: Orphanet 791, MedGen C3151066, MONDO:0013413, OMIM 613767.

Submissions (2):

Labcorp Genetics (formerly Invitae), Labcorp
Classification: Likely pathogenic. Last evaluated: 2025-12-10. Review status: criteria provided, single submitter. Criteria: Invitae Variant Classification Sherloc (09022015). Collection method: clinical testing. Allele origin: germline.
Comment: This sequence change affects an acceptor splice site in intron 16 of the CNGB1 gene. It is expected to disrupt RNA splicing. Variants that disrupt the donor or acceptor splice site typically lead to a loss of protein function (PMID: 16199547), and loss-of-function variants in CNGB1 are known to be pathogenic (PMID: 15557452, 24043777). This variant is not present in population databases (gnomAD no frequency). This variant has not been reported in the literature in individuals affected with CNGB1-related conditions. ClinVar contains an entry for this variant (Variation ID: 3581110). Algorithms developed to predict the effect of sequence changes on RNA splicing suggest that this variant may disrupt the consensus splice site. In summary, the currently available evidence indicates that the variant is pathogenic, but additional data are needed to prove that conclusively. Therefore, this variant has been classified as Likely Pathogenic.

Fulgent Genetics
Classification: Likely pathogenic for Retinitis pigmentosa 45. Last evaluated: 2024-02-21. Review status: criteria provided, single submitter. Criteria: ACMG Guidelines, 2015. Collection method: clinical testing. Allele origin: germline.

Literature cited by the submitters: PubMed 16199547 (cited by Labcorp Genetics (formerly Invitae), Labcorp); PubMed 15557452 (cited by Labcorp Genetics (formerly Invitae), Labcorp); PubMed 24043777 (cited by Labcorp Genetics (formerly Invitae), Labcorp).

NM_001297.5(CNGB1):c.1373-2A>G

Gene: CNGB1 (cyclic nucleotide gated channel subunit beta 1; minus strand). Cytogenetic location: 16q21.
Variant type: single nucleotide variant.
Coding change: c.1373-2A>G on transcript NM_001297.5 (MANE Select); the canonical splice acceptor site of the intron before coding-DNA position 1373, A replaced by G.
Molecular consequence: splice acceptor variant.
Genome position (GRCh38, 1-based): chr16:57,931,880, T>C on the plus strand (A>G on the coding strand, the complement: CNGB1 is on the minus strand). VCF-style: chr16-57931880-T-C. GRCh37 (hg19) VCF-style: chr16-57965784-T-C.
Other names: c.1355-2A>G (NM_001286130.2).
Identifiers: ClinVar variation 3581110 (VCV003581110.2).